The following is an entry in ClinVar:

ClinVar aggregate classification (germline): Uncertain significance. Review status: criteria provided, multiple submitters, no conflicts (2 of 4 stars). 2 submissions from 2 submitters: Uncertain significance (2). Last evaluated 2024-01-18.

Conditions:
Hereditary cancer-predisposing syndrome. Also called: Neoplastic Syndromes, Hereditary; Hereditary Cancer Syndrome; Hereditary neoplastic syndrome; Tumor predisposition. Identifiers: Orphanet 140162, MedGen C0027672, MeSH D009386, MONDO:0015356.
Familial adenomatous polyposis 1 (FAP1). Also called: FAMILIAL ADENOMATOUS POLYPOSIS 1, ATTENUATED; POLYPOSIS, ADENOMATOUS INTESTINAL. Identifiers: MedGen C2713442, MONDO:0021056, OMIM 175100. Disease mechanism: loss of function.

Submissions (2):

Ambry Genetics
Classification: Uncertain significance for Hereditary cancer-predisposing syndrome. Last evaluated: 2024-01-18. Review status: criteria provided, single submitter. Criteria: Ambry Variant Classification Scheme 2023. Collection method: clinical testing. Allele origin: germline.
Comment: The p.E140A variant (also known as c.419A>C), located in coding exon 3 of the APC gene, results from an A to C substitution at nucleotide position 419. The glutamic acid at codon 140 is replaced by alanine, an amino acid with dissimilar properties. This amino acid position is highly conserved in available vertebrate species. In addition, in silico predictors for this gene do not accurately predict pathogenicity. Since supporting evidence is limited at this time, the clinical significance of this alteration remains unclear.

Labcorp Genetics (formerly Invitae), Labcorp
Classification: Uncertain significance for Familial adenomatous polyposis 1. Last evaluated: 2020-09-24. Review status: criteria provided, single submitter. Criteria: Invitae Variant Classification Sherloc (09022015). Collection method: clinical testing. Allele origin: germline.
Comment: In summary, the available evidence is currently insufficient to determine the role of this variant in disease. Therefore, it has been classified as a Variant of Uncertain Significance. Algorithms developed to predict the effect of missense changes on protein structure and function are either unavailable or do not agree on the potential impact of this missense change (SIFT: "Tolerated"; PolyPhen-2: "Probably Damaging"; Align-GVGD: "Class C0"). This variant has not been reported in the literature in individuals with APC-related conditions. This variant is not present in population databases (ExAC no frequency). This sequence change replaces glutamic acid with alanine at codon 140 of the APC protein (p.Glu140Ala). The glutamic acid residue is highly conserved and there is a moderate physicochemical difference between glutamic acid and alanine.

NM_000038.6(APC):c.419A>C (p.Glu140Ala)

Gene: APC (APC regulator of Wnt signaling pathway; plus strand). Cytogenetic location: 5q22.2.
Variant type: single nucleotide variant.
Coding change: c.419A>C on transcript NM_000038.6 (MANE Select); coding-DNA position 419, A replaced by C.
Protein change: p.Glu140Ala; replaces glutamic acid 140 with alanine.
Molecular consequence: missense variant. On other transcripts: 5 prime UTR variant (1).
Genome position (GRCh38, 1-based): chr5:112,767,387, A>C. VCF-style: chr5-112767387-A-C. GRCh37 (hg19) VCF-style: chr5-112103084-A-C.
Other names: c.419A>C, p.Glu140Ala (NM_001127510.3, NM_001354895.2, NM_001354896.2 and 2 more transcripts); c.449A>C, p.Glu150Ala (NM_001127511.3, NM_001354897.2, NM_001354902.2); c.344A>C, p.Glu115Ala (NM_001354898.2, NM_001354904.2); c.242A>C, p.Glu81Ala (NM_001354900.2, NM_001354901.2, NM_001354905.2); c.-617A>C (NM_001354906.2); short protein forms E115A, E140A, E150A, E81A.
Identifiers: ClinVar variation 1058408 (VCV001058408.12), dbSNP rs2149790052, ClinGen allele CA16022239.